The following is an entry in ClinVar:

NM_000064.4(C3):c.452C>G (p.Thr151Ser)

Gene: C3 (complement C3; minus strand). Cytogenetic location: 19p13.3.
Variant type: single nucleotide variant.
Coding change: c.452C>G on transcript NM_000064.4 (MANE Select); coding-DNA position 452, C replaced by G.
Protein change: p.Thr151Ser; replaces threonine 151 with serine.
Molecular consequence: missense variant.
Genome position (GRCh38, 1-based): chr19:6,718,146, G>C on the plus strand (C>G on the coding strand, the complement: C3 is on the minus strand). VCF-style: chr19-6718146-G-C. GRCh37 (hg19) VCF-style: chr19-6718157-G-C.
Other names: short protein forms T151S.
Identifiers: ClinVar variation 1357702 (VCV001357702.9), dbSNP rs1968082456, ClinGen allele CA403644968.

ClinVar aggregate classification (germline): Uncertain significance. Review status: criteria provided, multiple submitters, no conflicts (2 of 4 stars). 3 submissions from 3 submitters: Uncertain significance (3). Last evaluated 2025-09-17.

Conditions:
Age related macular degeneration 9. Identifiers: MedGen C1969651, MONDO:0012659, OMIM 611378.
Complement component 3 deficiency. Identifiers: Orphanet 280133, MedGen C3151071, MONDO:0013417, OMIM 613779.
Atypical hemolytic-uremic syndrome with C3 anomaly. Also called: AHUS, SUSCEPTIBILITY TO, 5. Identifiers: Orphanet 2134, MedGen C2752037, MONDO:0013043, OMIM 612925.

Allele frequency attached by ClinVar (database versions not stated): gnomAD 0.00001; TOPMed 0.00001.

Submissions (3):

Labcorp Genetics (formerly Invitae), Labcorp
Classification: Uncertain significance. Last evaluated: 2025-09-17. Review status: criteria provided, single submitter. Criteria: Invitae Variant Classification Sherloc (09022015). Collection method: clinical testing. Allele origin: germline.
Comment: This sequence change replaces threonine, which is neutral and polar, with serine, which is neutral and polar, at codon 151 of the C3 protein (p.Thr151Ser). This variant is not present in population databases (gnomAD no frequency). This variant has not been reported in the literature in individuals affected with C3-related conditions. ClinVar contains an entry for this variant (Variation ID: 1357702). Invitae Evidence Modeling of protein sequence and biophysical properties (such as structural, functional, and spatial information, amino acid conservation, physicochemical variation, residue mobility, and thermodynamic stability) indicates that this missense variant is not expected to disrupt C3 protein function with a negative predictive value of 80%. In summary, the available evidence is currently insufficient to determine the role of this variant in disease. Therefore, it has been classified as a Variant of Uncertain Significance.

Women's Health and Genetics/Laboratory Corporation of America, LabCorp
Classification: Uncertain significance. Last evaluated: 2025-04-21. Review status: criteria provided, single submitter. Criteria: LabCorp Variant Classification Summary - May 2015. Collection method: clinical testing. Allele origin: germline.
Comment: Variant summary: C3 c.452C>G (p.Thr151Ser) results in a conservative amino acid change in the encoded protein sequence. Five of five in-silico tools predict a benign effect of the variant on protein function. The variant was absent in 251440 control chromosomes (gnomAD). The available data on variant occurrences in the general population are insufficient to allow any conclusion about variant significance. To our knowledge, no occurrence of c.452C>G in individuals affected with &phenotype& and no experimental evidence demonstrating its impact on protein function have been reported. ClinVar contains an entry for this variant (Variation ID: 1357702). Based on the evidence outlined above, the variant was classified as uncertain significance.

Fulgent Genetics
Classification: Uncertain significance for Age related macular degeneration 9; Atypical hemolytic-uremic syndrome with C3 anomaly; Complement component 3 deficiency. Last evaluated: 2022-05-24. Review status: criteria provided, single submitter. Criteria: ACMG Guidelines, 2015. Collection method: clinical testing. Allele origin: unknown.